The following is an entry in ClinVar:

ClinVar aggregate classification (germline): Uncertain significance. Review status: criteria provided, multiple submitters, no conflicts (2 of 4 stars). 5 submissions from 5 submitters: Uncertain significance (5). Last evaluated 2025-11-15.

Conditions:
Cardiovascular phenotype. Identifiers: MedGen CN230736.
Tetralogy of Fallot (TOF). Identifiers: Orphanet 3303, MedGen C0039685, MONDO:0008542, OMIM 187500, HP:0001636.
Alagille syndrome due to a JAG1 point mutation. Also called: Alagille Syndrome 1; HEPATIC DUCTULAR HYPOPLASIA, SYNDROMATIC; JAG1-Related Alagille Syndrome. Identifiers: Orphanet 261619, Orphanet 52, MedGen C1956125, MONDO:0016862, OMIM 118450.
Charcot-Marie-Tooth disease, axonal, Type 2HH. Also called: CHARCOT-MARIE-TOOTH NEUROPATHY, TYPE 2HH. Identifiers: MedGen C5562003, MONDO:0030458, OMIM 619574.
Deafness, congenital heart defects, and posterior embryotoxon (DCHE). Identifiers: MedGen C1866053, MONDO:0060713, OMIM 617992.

Allele frequency attached by ClinVar (database versions not stated): gnomAD exomes 0.00001.

Submissions (5):

Ambry Genetics
Classification: Uncertain significance for Cardiovascular phenotype. Last evaluated: 2025-11-15. Review status: criteria provided, single submitter. Criteria: Ambry Variant Classification Scheme 2023. Collection method: clinical testing. Allele origin: germline.
Comment: The p.R805W variant (also known as c.2413C>T), located in coding exon 20 of the JAG1 gene, results from a C to T substitution at nucleotide position 2413. The arginine at codon 805 is replaced by tryptophan, an amino acid with dissimilar properties. This amino acid position is conserved. In addition, this alteration is predicted to be deleterious by in silico analysis. Based on the available evidence, the clinical significance of this variant remains unclear.

Labcorp Genetics (formerly Invitae), Labcorp
Classification: Uncertain significance for Alagille syndrome due to a JAG1 point mutation. Last evaluated: 2024-10-29. Review status: criteria provided, single submitter. Criteria: Invitae Variant Classification Sherloc (09022015). Collection method: clinical testing. Allele origin: germline.
Comment: This sequence change replaces arginine, which is basic and polar, with tryptophan, which is neutral and slightly polar, at codon 805 of the JAG1 protein (p.Arg805Trp). This variant is present in population databases (no rsID available, gnomAD 0.006%). This variant has not been reported in the literature in individuals affected with JAG1-related conditions. ClinVar contains an entry for this variant (Variation ID: 996271). Invitae Evidence Modeling of protein sequence and biophysical properties (such as structural, functional, and spatial information, amino acid conservation, physicochemical variation, residue mobility, and thermodynamic stability) has been performed for this missense variant. However, the output from this modeling did not meet the statistical confidence thresholds required to predict the impact of this variant on JAG1 protein function. In summary, the available evidence is currently insufficient to determine the role of this variant in disease. Therefore, it has been classified as a Variant of Uncertain Significance.

Fulgent Genetics
Classification: Uncertain significance for Alagille syndrome due to a JAG1 point mutation; Tetralogy of Fallot; Deafness, congenital heart defects, and posterior embryotoxon; Charcot-Marie-Tooth disease, axonal, Type 2HH. Last evaluated: 2024-01-23. Review status: criteria provided, single submitter. Criteria: ACMG Guidelines, 2015. Collection method: clinical testing. Allele origin: germline.

Women's Health and Genetics/Laboratory Corporation of America, LabCorp
Classification: Uncertain significance. Last evaluated: 2022-04-26. Review status: criteria provided, single submitter. Criteria: LabCorp Variant Classification Summary - May 2015. Collection method: clinical testing. Allele origin: germline.
Comment: Variant summary: JAG1 c.2413C>T (p.Arg805Trp) results in a non-conservative amino acid change located in the EGF-like calcium-binding domain (IPR001881) of the encoded protein sequence. Five of five in-silico tools predict a damaging effect of the variant on protein function. The variant allele was found at a frequency of 1.2e-05 in 251346 control chromosomes. The available data on variant occurrences in the general population are insufficient to allow any conclusion about variant significance. To our knowledge, no occurrence of c.2413C>T in individuals affected with Alagille Syndrome 1 and no experimental evidence demonstrating its impact on protein function have been reported. No clinical diagnostic laboratories have submitted clinical-significance assessments for this variant to ClinVar after 2014. Based on the evidence outlined above, the variant was classified as uncertain significance.

AiLife Diagnostics
Classification: Uncertain significance. Last evaluated: 2022-02-23. Review status: criteria provided, single submitter. Criteria: ACMG Guidelines, 2015. Collection method: clinical testing. Allele origin: germline. Affected: yes. Observed: 1 variant allele.

NM_000214.3(JAG1):c.2413C>T (p.Arg805Trp)

Gene: JAG1 (jagged canonical Notch ligand 1; minus strand). Cytogenetic location: 20p12.2.
Variant type: single nucleotide variant.
Coding change: c.2413C>T on transcript NM_000214.3 (MANE Select); coding-DNA position 2413, C replaced by T.
Protein change: p.Arg805Trp; replaces arginine 805 with tryptophan.
Molecular consequence: missense variant.
Genome position (GRCh38, 1-based): chr20:10,643,823, G>A on the plus strand (C>T on the coding strand, the complement: JAG1 is on the minus strand). VCF-style: chr20-10643823-G-A. GRCh37 (hg19) VCF-style: chr20-10624471-G-A.
Other names: short protein forms R805W.
Identifiers: ClinVar variation 996271 (VCV000996271.9), dbSNP rs1458651228, ClinGen allele CA408234650.